The following is an entry in ClinVar:

NM_152490.5(B3GALNT2):c.755T>G (p.Val252Gly)

Gene: B3GALNT2 (beta-1,3-N-acetylgalactosaminyltransferase 2; minus strand). Cytogenetic location: 1q42.3.
Variant type: single nucleotide variant.
Coding change: c.755T>G on transcript NM_152490.5 (MANE Select); coding-DNA position 755, T replaced by G.
Protein change: p.Val252Gly; replaces valine 252 with glycine.
Molecular consequence: missense variant.
Genome position (GRCh38, 1-based): chr1:235,470,857, A>C on the plus strand (T>G on the coding strand, the complement: B3GALNT2 is on the minus strand). VCF-style: chr1-235470857-A-C. GRCh37 (hg19) VCF-style: chr1-235634171-A-C.
Other names: B3GALNT2, VAL252GLY; c.878T>G, p.Val293Gly (NM_001277155.3); short protein forms V252G, V293G.
Identifiers: ClinVar variation 41937 (VCV000041937.3), dbSNP rs367543073, ClinGen allele CA231751.

ClinVar aggregate classification (germline): Pathogenic/Likely pathogenic. Review status: no assertion criteria provided (0 of 4 stars). 3 submissions from 3 submitters: Pathogenic (1); Likely pathogenic (1). 1 of the submissions does not count toward it. Last evaluated 2013-06-27.

Conditions:
Muscular dystrophy-dystroglycanopathy (congenital with brain and eye anomalies), type a, 11 (MDDGA11). Also called: Muscular dystrophy-dystroglycanopathy (congenital with brain and eye anomalies, type A, 11; WALKER-WARBURG SYNDROME OR MUSCLE-EYE-BRAIN DISEASE, B3GALNT2-RELATED; Congenital muscular dystrophy-dystroglycanopathy with brain and eye anomalies, type A11. Identifiers: Orphanet 588, Orphanet 899, MedGen C3554638, MONDO:0014071, OMIM 615181.

Submissions (3):

ClinVar Staff, National Center for Biotechnology Information (NCBI)
Classification: Likely pathogenic for Congenital muscular dystrophy-dystroglycanopathy with brain and eye anomalies, type A11. Last evaluated: 2013-06-27. Review status: no assertion criteria provided. Collection method: literature only. Allele origin: germline. Affected: yes.

OMIM
Classification: Pathogenic for MUSCULAR DYSTROPHY-DYSTROGLYCANOPATHY (CONGENITAL WITH BRAIN AND EYE ANOMALIES), TYPE A, 11. Last evaluated: 2013-03-07. Review status: no assertion criteria provided. Collection method: literature only. Allele origin: germline.

Leiden Muscular Dystrophy pages (B3GALNT2)
No classification provided. Review status: no classification provided. Collection method: not provided. Allele origin: germline, unknown. Not counted in ClinVar's aggregate classification.
Comment: has functional consequence

Literature cited by the submitters: PubMed 23453667 (cited by ClinVar Staff, National Center for Biotechnology Information (NCBI) and OMIM).